The following is an entry in ClinVar:

NM_177438.3(DICER1):c.2316G>A (p.Val772=)

Gene: DICER1 (dicer 1, ribonuclease III; minus strand). Cytogenetic location: 14q32.13.
Variant type: single nucleotide variant.
Coding change: c.2316G>A on transcript NM_177438.3 (MANE Select); coding-DNA position 2316, G replaced by A.
Protein change: p.Val772=; no amino-acid change (valine 772 retained).
Molecular consequence: synonymous variant.
Genome position (GRCh38, 1-based): chr14:95,108,444, C>T on the plus strand (G>A on the coding strand, the complement: DICER1 is on the minus strand). VCF-style: chr14-95108444-C-T. GRCh37 (hg19) VCF-style: chr14-95574781-C-T.
Other names: c.2316G>A, p.Val772= (NM_001195573.1, NM_001271282.3, NM_001291628.2 and 1 more transcripts).
Identifiers: ClinVar variation 242061 (VCV000242061.20), dbSNP rs878855250, ClinGen allele CA10583211.
Genomic context (GRCh38, chr14:95,108,444, plus strand): 5'-GAGCTTCCGCCTTCTAAAGTTGAGTTCATCAGGTAAAGGTGTAGTTAAAACCATTCCTAT[C>T]ACATACAGGTAACAGGGCTGATCAGGTCTGGGATAACTATCCCTCAAACACTCTGGAATC-3'
Protein context (NP_803187.1, residues 762-782): PRPDQPCYLY[Val772=]IGMVLTTPLP

ClinVar aggregate classification (germline): Conflicting classifications of pathogenicity. Review status: criteria provided, conflicting classifications (1 of 4 stars). 5 submissions from 5 submitters: Uncertain significance (2); Benign (1); Likely benign (2). Last evaluated 2026-10-01.

Conditions:
Hereditary cancer-predisposing syndrome. Also called: Hereditary neoplastic syndrome; Hereditary Cancer Syndrome; Neoplastic Syndromes, Hereditary; Tumor predisposition. Identifiers: Orphanet 140162, MedGen C0027672, MeSH D009386, MONDO:0015356.
DICER1-related tumor predisposition. Also called: DICER1 syndrome; DICER1-related pleuropulmonary blastoma cancer predisposition syndrome. Identifiers: Orphanet 284343, MedGen C3839822, MONDO:0100216.
Pleuropulmonary blastoma (PPB). Identifiers: Orphanet 64742, MedGen C1266144, MONDO:0011014, OMIM 601200, HP:0100528.

Allele frequency attached by ClinVar (database versions not stated): TOPMed 0.00001; gnomAD 0.00002.
gnomAD v4.1: 4 of 1,613,954 alleles (0.00025%); highest among the groups gnomAD compares: African/African-American, 0.004%; no homozygotes.

Submissions (5):

St. Jude Molecular Pathology, St. Jude Children's Research Hospital
Classification: Uncertain significance for Pleuropulmonary blastoma. Last evaluated: 2026-10-01. Review status: criteria provided, single submitter. Criteria: St. Jude Assertion Criteria 2020. Collection method: clinical testing. Allele origin: germline.
Comment: The DICER1 c.2316G>A p.(Val772=) synonymous change has a maximum subpopulation frequency o f 0.01% in gnomAD v2.1.1. Algorithms that predict the impact of sequence changes on splicing are inconclusive. To our knowledge, this variant has not been reported in the literature in individuals with DICER1 syndrome . In summary, the evidence currently available is insufficient to determine the clinical significance of this variant. It has therefore been classified as of uncertain significance (VUS-Low).

Myriad Genetics, Inc.
Classification: Benign for DICER1-related tumor predisposition. Last evaluated: 2026-04-16. Review status: criteria provided, single submitter. Criteria: Myriad Autosomal Dominant, Autosomal Recessive and X-Linked Classification Criteria (2023). Collection method: clinical testing. Allele origin: unknown.
Comment: This variant is considered benign. This variant is a silent/synonymous amino acid change and it is not expected to impact splicing.

Labcorp Genetics (formerly Invitae), Labcorp
Classification: Likely benign for DICER1-related tumor predisposition. Last evaluated: 2026-01-26. Review status: criteria provided, single submitter. Criteria: Invitae Variant Classification Sherloc (09022015). Collection method: clinical testing. Allele origin: germline.

GeneDx
Classification: Uncertain significance. Last evaluated: 2024-03-28. Review status: criteria provided, single submitter. Criteria: GeneDx Variant Classification Process June 2021. Collection method: clinical testing. Allele origin: germline. Affected: yes.
Comment: Has not been previously published as pathogenic or benign to our knowledge; In silico analysis suggests this variant may impact gene splicing. In the absence of RNA/functional studies, the actual effect of this sequence change is unknown

Ambry Genetics
Classification: Likely benign for Hereditary cancer-predisposing syndrome. Last evaluated: 2017-09-05. Review status: criteria provided, single submitter. Criteria: Ambry Variant Classification Scheme 2023. Collection method: clinical testing. Allele origin: germline.